The following is an entry in ClinVar:

ClinVar aggregate classification (germline): Likely benign (1 of 4 stars; one submission).

Submission:

CeGaT Center for Human Genetics Tuebingen
Classification: Likely benign. Last evaluated: 2026-05-01. Review status: criteria provided, single submitter. Criteria: CeGaT Center For Human Genetics Tuebingen Variant Classification Criteria Version 2. Collection method: clinical testing. Allele origin: germline. Affected: yes. Observed: 3 variant alleles.
Comment: USP17L17: BP4, BP7

NM_001256857.1(USP17L17):c.327G>C (p.Leu109=)

Gene: USP17L17 (ubiquitin specific peptidase 17 like family member 17; plus strand). Cytogenetic location: 4p16.1.
Variant type: single nucleotide variant.
Coding change: c.327G>C on transcript NM_001256857.1 (MANE Select); coding-DNA position 327, G replaced by C.
Protein change: p.Leu109=; no amino-acid change (leucine 109 retained).
Molecular consequence: synonymous variant.
Genome position (GRCh38, 1-based): chr4:9,244,205, G>C. VCF-style: chr4-9244205-G-C. GRCh37 (hg19) VCF-style: chr4-9245931-G-C.
Identifiers: ClinVar variation 3388443 (VCV003388443.14).